The following is an entry in ClinVar:

NM_000142.5(FGFR3):c.2369C>T (p.Ala790Val)

Gene: FGFR3 (fibroblast growth factor receptor 3; plus strand). Cytogenetic location: 4p16.3.
Variant type: single nucleotide variant.
Coding change: c.2369C>T on transcript NM_000142.5 (MANE Select); coding-DNA position 2369, C replaced by T.
Protein change: p.Ala790Val; replaces alanine 790 with valine.
Molecular consequence: missense variant. On other transcripts: synonymous variant (1), non-coding transcript variant (1).
Genome position (GRCh38, 1-based): chr4:1,807,210, C>T. VCF-style: chr4-1807210-C-T. GRCh37 (hg19) VCF-style: chr4-1808937-C-T.
Other names: c.2375C>T, p.Ala792Val (NM_001163213.2); c.2372C>T, p.Ala791Val (NM_001354809.2); c.2301C>T, p.Cys767= (NM_001354810.2); c.2033C>T, p.Ala678Val (NM_022965.4); short protein forms A678V, A790V, A792V, A791V.
Identifiers: ClinVar variation 2786154 (VCV002786154.3), dbSNP rs868538559, ClinGen allele CA91259578.

ClinVar aggregate classification (germline): Uncertain significance (1 of 4 stars; one submission).

Allele frequency attached by ClinVar (database versions not stated): gnomAD exomes below 0.00001; TOPMed 0.00001.
gnomAD v4.1: 2 of 1,608,318 alleles (0.00012%); highest among the groups gnomAD compares: Non-Finnish European, 0.000085%; no homozygotes.

Submission:

Labcorp Genetics (formerly Invitae), Labcorp
Classification: Uncertain significance. Last evaluated: 2023-06-17. Review status: criteria provided, single submitter. Criteria: Invitae Variant Classification Sherloc (09022015). Collection method: clinical testing. Allele origin: germline.
Comment: This sequence change replaces alanine, which is neutral and non-polar, with valine, which is neutral and non-polar, at codon 790 of the FGFR3 protein (p.Ala790Val). This variant is not present in population databases (gnomAD no frequency). This variant has not been reported in the literature in individuals affected with FGFR3-related conditions. Advanced modeling of protein sequence and biophysical properties (such as structural, functional, and spatial information, amino acid conservation, physicochemical variation, residue mobility, and thermodynamic stability) has been performed at Invitae for this missense variant, however the output from this modeling did not meet the statistical confidence thresholds required to predict the impact of this variant on FGFR3 protein function. In summary, the available evidence is currently insufficient to determine the role of this variant in disease. Therefore, it has been classified as a Variant of Uncertain Significance.